The following is an entry in ClinVar:

ClinVar aggregate classification (germline): Uncertain significance. Review status: criteria provided, multiple submitters, no conflicts (2 of 4 stars). 2 submissions from 2 submitters: Uncertain significance (2). Last evaluated 2022-04-22.

Conditions:
Nizon-Isidor syndrome. Identifiers: MedGen C5394350, MONDO:0030030, OMIM 618872.

Allele frequency attached by ClinVar (database versions not stated): gnomAD exomes below 0.00001.
gnomAD v4.1: 1 of 1,614,150 alleles (0.000062%); highest among the groups gnomAD compares: Non-Finnish European, 0.000085%; no homozygotes.

Submissions (2):

GeneDx
Classification: Uncertain significance. Last evaluated: 2022-04-22. Review status: criteria provided, single submitter. Criteria: GeneDx Variant Classification Process June 2021. Collection method: clinical testing. Allele origin: germline. Affected: yes.
Comment: Not observed in large population cohorts (gnomAD); In silico analysis supports that this missense variant does not alter protein structure/function; Has not been previously published as pathogenic or benign to our knowledge

Clinical Genomics Laboratory, Stanford Medicine
Classification: Uncertain significance for Nizon-Isidor syndrome. Last evaluated: 2021-03-16. Review status: criteria provided, single submitter. Criteria: ACMG Guidelines, 2015. Collection method: clinical testing. Allele origin: germline. Inheritance: Autosomal dominant inheritance. Affected: yes. Observed: 1 heterozygote.
Comment: This variant was absent from large population databases, including the Genome Aggregation Database. These data were assessed using the ACMG/AMP variant interpretation guidelines. In summary, the significance of the p.Ile1361Val variant is uncertain; however, there is suspicion that this variant could be associated with MED12L-associated neurodevelopmental disorder due to the identification of this variant as de novo in this individual. Additional information is needed to resolve the significance of this variant. [ACMG evidence codes used: PS2_moderate; PM2]

NM_001393769.1(MED12L):c.4186A>G (p.Ile1396Val)

Genes: MED12L (mediator complex subunit 12L; plus strand), P2RY12 (purinergic receptor P2Y12; minus strand). Cytogenetic location: 3q25.1.
Variant type: single nucleotide variant.
Coding change: c.4186A>G on transcript NM_001393769.1 (MANE Select); coding-DNA position 4186, A replaced by G.
Protein change: p.Ile1396Val; replaces isoleucine 1396 with valine.
Molecular consequence: missense variant. On other transcripts: intron variant (1).
Genome position (GRCh38, 1-based): chr3:151,377,048, A>G. VCF-style: chr3-151377048-A-G. GRCh37 (hg19) VCF-style: chr3-151094836-A-G.
Other names: p.Ile1361Val; c.4081A>G, p.Ile1361Val (NM_053002.6); c.-180+7644T>C (NM_022788.5); short protein forms I1361V, I1396V.
Identifiers: ClinVar variation 1683810 (VCV001683810.3), dbSNP rs2108073906, ClinGen allele CA354972704.